The following is an entry in ClinVar:

ClinVar aggregate classification (germline): Uncertain significance (1 of 4 stars; one submission).

Conditions:
Familial cold autoinflammatory syndrome 2 (FCAS2). Identifiers: Orphanet 247868, MedGen C2673198, MONDO:0012724, OMIM 611762.

gnomAD v4.1: 2 of 1,613,886 alleles (0.00012%); highest among the groups gnomAD compares: Non-Finnish European, 0.00017%; no homozygotes.

Submission:

Labcorp Genetics (formerly Invitae), Labcorp
Classification: Uncertain significance for Familial cold autoinflammatory syndrome 2. Last evaluated: 2023-04-12. Review status: criteria provided, single submitter. Criteria: Invitae Variant Classification Sherloc (09022015). Collection method: clinical testing. Allele origin: germline.
Comment: This variant has not been reported in the literature in individuals affected with NLRP12-related conditions. This sequence change replaces glutamic acid, which is acidic and polar, with glutamine, which is neutral and polar, at codon 419 of the NLRP12 protein (p.Glu419Gln). This variant is present in population databases (no rsID available, gnomAD 0.002%). Advanced modeling of protein sequence and biophysical properties (such as structural, functional, and spatial information, amino acid conservation, physicochemical variation, residue mobility, and thermodynamic stability) performed at Invitae indicates that this missense variant is not expected to disrupt NLRP12 protein function. In summary, the available evidence is currently insufficient to determine the role of this variant in disease. Therefore, it has been classified as a Variant of Uncertain Significance.

NM_144687.4(NLRP12):c.1255G>C (p.Glu419Gln)

Gene: NLRP12 (NLR family pyrin domain containing 12; minus strand). Cytogenetic location: 19q13.42.
Variant type: single nucleotide variant.
Coding change: c.1255G>C on transcript NM_144687.4 (MANE Select); coding-DNA position 1255, G replaced by C.
Protein change: p.Glu419Gln; replaces glutamic acid 419 with glutamine.
Molecular consequence: missense variant.
Genome position (GRCh38, 1-based): chr19:53,810,404, C>G on the plus strand (G>C on the coding strand, the complement: NLRP12 is on the minus strand). VCF-style: chr19-53810404-C-G. GRCh37 (hg19) VCF-style: chr19-54313658-C-G.
Other names: c.1255G>C, p.Glu419Gln (NM_001277126.2, NM_001277129.1); short protein forms E419Q.
Identifiers: ClinVar variation 3016919 (VCV003016919.3), dbSNP rs1291646132, ClinGen allele CA407413909.
Genomic context (GRCh38, chr19:53,810,404, plus strand): 5'-GGTAGAGCATGTACACTGCAGTGGTGGTCCTGGACGTCTGTCTCAACAGCCCCCCACCCT[C>G]CAGCTGCTGCTGGAGGCAGGTACACACCACCCAGCACACCAGGGGGACGAAGCACATGGT-3'
Protein context (NP_653288.1, residues 409-429): VVCTCLQQQL[Glu419Gln]GGGLLRQTSR